The following is an entry in ClinVar:

NM_030923.5(TMEM163):c.434T>A (p.Val145Glu)

Gene: TMEM163 (transmembrane protein 163; minus strand). Cytogenetic location: 2q21.3.
Variant type: single nucleotide variant.
Coding change: c.434T>A on transcript NM_030923.5 (MANE Select); coding-DNA position 434, T replaced by A.
Protein change: p.Val145Glu; replaces valine 145 with glutamic acid.
Molecular consequence: missense variant.
Genome position (GRCh38, 1-based): chr2:134,550,594, A>T on the plus strand (T>A on the coding strand, the complement: TMEM163 is on the minus strand). VCF-style: chr2-134550594-A-T. GRCh37 (hg19) VCF-style: chr2-135308165-A-T.
Other names: short protein forms V145E.
Identifiers: ClinVar variation 3065560 (VCV003065560.3), dbSNP rs2468508850, ClinGen allele CA348643120.
Genomic context (GRCh38, chr2:134,550,594, plus strand): 5'-GTTCTTCAGCCTGGAGAAAGACAAGAATCTACTTACATGTACTCCCTATGGGCAGAGTGC[A>T]CAGCGGCCGCGTTGCTGTAACGCCACAGGACAATCGCCGATGACAGGACGTCCAGGATGG-3'
Protein context (NP_112185.1, residues 135-155): VLWRYSNAAA[Val145Glu]HSAHREYIAC

ClinVar aggregate classification (germline): Uncertain significance. Review status: criteria provided, multiple submitters, no conflicts (2 of 4 stars). 3 submissions from 3 submitters: Uncertain significance (3). Last evaluated 2025-12-11.

Conditions:
Leukodystrophy, hypomyelinating, 25 (HLD25). Identifiers: MedGen C5830275, MONDO:0859378, OMIM 620243.

Submissions (3):

MVZ Medizinische Genetik Mainz
Classification: Uncertain significance for Leukodystrophy, hypomyelinating, 25. Last evaluated: 2025-12-11. Review status: criteria provided, single submitter. Criteria: UK Practice Guidelines For Variant Classification V4 01 2020. Collection method: clinical testing. Allele origin: germline. Inheritance: Autosomal dominant inheritance. Affected: yes. Observed: 1 variant allele.

Laboratorio de Biologia Molecular/Medicina Genomica - IFF/Fiocruz, Instituto Fernandes Figueira, Fundacao Oswaldo Cruz
Classification: Uncertain significance for Leukodystrophy, hypomyelinating, 25. Last evaluated: 2025-09-02. Review status: criteria provided, single submitter. Criteria: ACMG Guidelines, 2015. Collection method: clinical testing. Allele origin: germline. Affected: yes. Observed: 1 variant allele.
Comment: Variant: c.434T>A (p.Val145Glu) in exon 4 of the TMEM163 gene. Protein effect: Missense substitution at a highly conserved across species. In silico tools: Predict a deleterious impact. Population database (gnomAD): Absent. ACMG/AMP criteria applied: PM2_Supporting, PP3

Genomic Medicine Center of Excellence, King Faisal Specialist Hospital and Research Centre
Classification: Uncertain significance for Leukodystrophy, hypomyelinating, 25. Last evaluated: 2024-03-29. Review status: criteria provided, single submitter. Criteria: ACMG Guidelines, 2015. Collection method: clinical testing. Allele origin: germline.